The following is an entry in ClinVar:

NM_001330078.2(NRXN1):c.2488G>C (p.Ala830Pro)

Gene: NRXN1 (neurexin 1; minus strand). Cytogenetic location: 2p16.3.
Variant type: single nucleotide variant.
Coding change: c.2488G>C on transcript NM_001330078.2 (MANE Select); coding-DNA position 2488, G replaced by C.
Protein change: p.Ala830Pro; replaces alanine 830 with proline.
Molecular consequence: missense variant.
Genome position (GRCh38, 1-based): chr2:50,506,504, C>G on the plus strand (G>C on the coding strand, the complement: NRXN1 is on the minus strand). VCF-style: chr2-50506504-C-G. GRCh37 (hg19) VCF-style: chr2-50733642-C-G.
Other names: c.2608G>C, p.Ala870Pro (NM_001135659.3); c.2464G>C, p.Ala822Pro (NM_001330077.2, NM_001330082.2); c.2422G>C, p.Ala808Pro (NM_001330083.2, NM_001330084.2); c.2461G>C, p.Ala821Pro (NM_001330085.2); c.2488G>C, p.Ala830Pro (NM_001330086.2, NM_004801.6); c.2377G>C, p.Ala793Pro (NM_001330087.2, NM_001330096.2); c.2407G>C, p.Ala803Pro (NM_001330088.2); c.2485G>C, p.Ala829Pro (NM_001330093.2); and 2 more; short protein forms A870P, A793P, A813P, A826P, A829P, A830P, A822P, A803P.
Identifiers: ClinVar variation 472642 (VCV000472642.10), dbSNP rs759806453, ClinGen allele CA346777846.

ClinVar aggregate classification (germline): Uncertain significance (1 of 4 stars; one submission).

Conditions:
Pitt-Hopkins-like syndrome 2 (PTHSL2). Identifiers: Orphanet 221150, Orphanet 600663, MedGen C3280479, MONDO:0013690, OMIM 614325.

Allele frequency attached by ClinVar (database versions not stated): TOPMed 0.00001.

Submission:

Labcorp Genetics (formerly Invitae), Labcorp
Classification: Uncertain significance for Pitt-Hopkins-like syndrome 2. Last evaluated: 2023-05-23. Review status: criteria provided, single submitter. Criteria: Invitae Variant Classification Sherloc (09022015). Collection method: clinical testing. Allele origin: germline.
Comment: This sequence change replaces alanine, which is neutral and non-polar, with proline, which is neutral and non-polar, at codon 870 of the NRXN1 protein (p.Ala870Pro). This variant is not present in population databases (gnomAD no frequency). This variant has not been reported in the literature in individuals affected with NRXN1-related conditions. ClinVar contains an entry for this variant (Variation ID: 472642). An algorithm developed to predict the effect of missense changes on protein structure and function (PolyPhen-2) suggests that this variant is likely to be tolerated. In summary, the available evidence is currently insufficient to determine the role of this variant in disease. Therefore, it has been classified as a Variant of Uncertain Significance.